The following is an entry in ClinVar:

NM_003119.4(SPG7):c.373G>A (p.Glu125Lys)

Gene: SPG7 (SPG7 matrix AAA peptidase subunit, paraplegin; plus strand). Cytogenetic location: 16q24.3.
Variant type: single nucleotide variant.
Coding change: c.373G>A on transcript NM_003119.4 (MANE Select); coding-DNA position 373, G replaced by A.
Protein change: p.Glu125Lys; replaces glutamic acid 125 with lysine.
Molecular consequence: missense variant.
Genome position (GRCh38, 1-based): chr16:89,513,034, G>A. VCF-style: chr16-89513034-G-A. GRCh37 (hg19) VCF-style: chr16-89579442-G-A.
Other names: c.373G>A (NM_003119.2); c.373G>A, p.Glu125Lys (NM_001363850.1, NM_199367.3); short protein forms E125K.
Identifiers: ClinVar variation 808156 (VCV000808156.52), dbSNP rs774326531, ClinGen allele CA8243543.

ClinVar aggregate classification (germline): Uncertain significance. Review status: criteria provided, multiple submitters, no conflicts (2 of 4 stars). 4 submissions from 4 submitters: Uncertain significance (4). Last evaluated 2024-05-13.

Conditions:
Hereditary spastic paraplegia 7 (SPG7). Also called: Autosomal recessive spastic paraplegia type 7; SPASTIC PARAPLEGIA 7, AUTOSOMAL RECESSIVE, WITH OR WITHOUT CEREBELLAR ATAXIA; SPG7-related neurologic disorder; Spastic paraplegia 7; Hereditary spastic paraplegia Paraplegin type. Identifiers: Orphanet 99013, MedGen C1846564, MONDO:0011803, OMIM 607259.

Allele frequency attached by ClinVar (database versions not stated): gnomAD exomes below 0.00001 and 0.00001; ExAC 0.00001; gnomAD 0.00001; TOPMed 0.00001.
gnomAD v4.1: 9 of 1,606,064 alleles (0.00056%); highest among the groups gnomAD compares: African/African-American, 0.004%; no homozygotes.

Submissions (4):

GeneDx
Classification: Uncertain significance. Last evaluated: 2024-05-13. Review status: criteria provided, single submitter. Criteria: GeneDx Variant Classification Process June 2021. Collection method: clinical testing. Allele origin: germline. Affected: yes.
Comment: Not observed at significant frequency in large population cohorts (gnomAD); In silico analysis supports that this missense variant has a deleterious effect on protein structure/function; Has not been previously published as pathogenic or benign to our knowledge

Labcorp Genetics (formerly Invitae), Labcorp
Classification: Uncertain significance for Hereditary spastic paraplegia 7. Last evaluated: 2021-09-18. Review status: criteria provided, single submitter. Criteria: Invitae Variant Classification Sherloc (09022015). Collection method: clinical testing. Allele origin: germline.
Comment: In summary, the available evidence is currently insufficient to determine the role of this variant in disease. Therefore, it has been classified as a Variant of Uncertain Significance. Advanced modeling of protein sequence and biophysical properties (such as structural, functional, and spatial information, amino acid conservation, physicochemical variation, residue mobility, and thermodynamic stability) performed at Invitae indicates that this missense variant is not expected to disrupt SPG7 protein function. ClinVar contains an entry for this variant (Variation ID: 808156). This variant has not been reported in the literature in individuals affected with SPG7-related conditions. This variant is present in population databases (rs774326531, ExAC 0.007%). This sequence change replaces glutamic acid with lysine at codon 125 of the SPG7 protein (p.Glu125Lys). The glutamic acid residue is moderately conserved and there is a small physicochemical difference between glutamic acid and lysine.

Greenwood Genetic Center Diagnostic Laboratories, Greenwood Genetic Center
Classification: Uncertain significance. Last evaluated: 2021-04-27. Review status: criteria provided, single submitter. Criteria: ACMG Guidelines, 2015. Collection method: clinical testing. Allele origin: germline. Affected: yes.
Comment: PM2

CeGaT Center for Human Genetics Tuebingen
Classification: Uncertain significance. Last evaluated: 2019-04-01. Review status: criteria provided, single submitter. Criteria: CeGaT Center For Human Genetics Tuebingen Variant Classification Criteria Version 2. Collection method: clinical testing. Allele origin: germline. Affected: yes. Observed: 1 variant allele.